The following is an entry in ClinVar:

NM_001042517.2(DIAPH3):c.920T>C (p.Val307Ala)

Gene: DIAPH3 (diaphanous related formin 3; minus strand). Cytogenetic location: 13q21.2.
Variant type: single nucleotide variant.
Coding change: c.920T>C on transcript NM_001042517.2 (MANE Select); coding-DNA position 920, T replaced by C.
Protein change: p.Val307Ala; replaces valine 307 with alanine.
Molecular consequence: missense variant.
Genome position (GRCh38, 1-based): chr13:60,008,638, A>G on the plus strand (T>C on the coding strand, the complement: DIAPH3 is on the minus strand). VCF-style: chr13-60008638-A-G. GRCh37 (hg19) VCF-style: chr13-60582772-A-G.
Other names: c.887T>C, p.Val296Ala (NM_001258366.2); c.782T>C, p.Val261Ala (NM_001258367.2); c.710T>C, p.Val237Ala (NM_001258368.2); c.920T>C, p.Val307Ala (NM_001258369.2); c.131T>C, p.Val44Ala (NM_001258370.2, NM_030932.4); short protein forms V237A, V261A, V296A, V44A, V307A.
Identifiers: ClinVar variation 1510202 (VCV001510202.8), dbSNP rs2140936817, ClinGen allele CA388334786.

ClinVar aggregate classification (germline): Uncertain significance (1 of 4 stars; one submission).

Submission:

Labcorp Genetics (formerly Invitae), Labcorp
Classification: Uncertain significance. Last evaluated: 2021-05-03. Review status: criteria provided, single submitter. Criteria: Invitae Variant Classification Sherloc (09022015). Collection method: clinical testing. Allele origin: germline.
Comment: In summary, the available evidence is currently insufficient to determine the role of this variant in disease. Therefore, it has been classified as a Variant of Uncertain Significance. Algorithms developed to predict the effect of missense changes on protein structure and function are either unavailable or do not agree on the potential impact of this missense change (SIFT: "Deleterious"; PolyPhen-2: "Probably Damaging"; Align-GVGD: "Class C0"). This variant has not been reported in the literature in individuals with DIAPH3-related conditions. This variant is not present in population databases (ExAC no frequency). This sequence change replaces valine with alanine at codon 307 of the DIAPH3 protein (p.Val307Ala). The valine residue is moderately conserved and there is a small physicochemical difference between valine and alanine.